The following is an entry in ClinVar:

ClinVar aggregate classification (germline): Uncertain significance (1 of 4 stars; one submission).

Submission:

Labcorp Genetics (formerly Invitae), Labcorp
Classification: Uncertain significance. Last evaluated: 2022-05-31. Review status: criteria provided, single submitter. Criteria: Invitae Variant Classification Sherloc (09022015). Collection method: clinical testing. Allele origin: germline.
Comment: In summary, the available evidence is currently insufficient to determine the role of this variant in disease. Therefore, it has been classified as a Variant of Uncertain Significance. Algorithms developed to predict the effect of missense changes on protein structure and function (SIFT, PolyPhen-2, Align-GVGD) all suggest that this variant is likely to be tolerated. This variant has not been reported in the literature in individuals affected with IFT74-related conditions. This variant is not present in population databases (gnomAD no frequency). This sequence change replaces glutamine, which is neutral and polar, with lysine, which is basic and polar, at codon 88 of the IFT74 protein (p.Gln88Lys).

NM_025103.4(IFT74):c.262C>A (p.Gln88Lys)

Gene: IFT74 (intraflagellar transport 74; plus strand). Cytogenetic location: 9p21.2.
Variant type: single nucleotide variant.
Coding change: c.262C>A on transcript NM_025103.4 (MANE Select); coding-DNA position 262, C replaced by A.
Protein change: p.Gln88Lys; replaces glutamine 88 with lysine.
Molecular consequence: missense variant.
Genome position (GRCh38, 1-based): chr9:26,980,576, C>A. VCF-style: chr9-26980576-C-A. GRCh37 (hg19) VCF-style: chr9-26980574-C-A.
Other names: c.262C>A, p.Gln88Lys (NM_001099222.3, NM_001099223.3, NM_001099224.3 and 1 more transcripts); short protein forms Q88K.
Identifiers: ClinVar variation 2130866 (VCV002130866.4), dbSNP rs1285117280, ClinGen allele CA373124734.